The following is an entry in ClinVar:

NM_173630.4(RTTN):c.4445A>G (p.Tyr1482Cys)

Gene: RTTN (rotatin; minus strand). Cytogenetic location: 18q22.2.
Variant type: single nucleotide variant.
Coding change: c.4445A>G on transcript NM_173630.4 (MANE Select); coding-DNA position 4445, A replaced by G.
Protein change: p.Tyr1482Cys; replaces tyrosine 1482 with cysteine.
Molecular consequence: missense variant.
Genome position (GRCh38, 1-based): chr18:70,075,471, T>C on the plus strand (A>G on the coding strand, the complement: RTTN is on the minus strand). VCF-style: chr18-70075471-T-C. GRCh37 (hg19) VCF-style: chr18-67742707-T-C.
Other names: c.1709A>G, p.Tyr570Cys (NM_001318520.2); short protein forms Y1482C, Y570C.
Identifiers: ClinVar variation 1382743 (VCV001382743.5), dbSNP rs372019678, ClinGen allele CA8995247.
Genomic context (GRCh38, chr18:70,075,471, plus strand): 5'-CACCGTCCTAGGTAACAATGCTTTACCATCTGATTCAAATGTTCATAAAAATGGCAGTGA[T>C]ATAAAAGAGCCTGAAGGGCAGGTTTTCCAATGAGCGATAGGCCAGAGTCCTCATCATGAA-3'
Protein context (NP_775901.3, residues 1472-1492): IGKPALQALL[Tyr1482Cys]HCHFYEHLNQ

ClinVar aggregate classification (germline): Uncertain significance (1 of 4 stars; one submission).

Allele frequency attached by ClinVar (database versions not stated): gnomAD exomes below 0.00001 and 0.00002; TOPMed below 0.00001; ExAC 0.00001; ESP Exome Variant Server 0.00008.
gnomAD v4.1: 26 of 1,608,660 alleles (0.0016%); highest among the groups gnomAD compares: Non-Finnish European, 0.0022%; no homozygotes.

Submission:

Labcorp Genetics (formerly Invitae), Labcorp
Classification: Uncertain significance. Last evaluated: 2022-07-05. Review status: criteria provided, single submitter. Criteria: Invitae Variant Classification Sherloc (09022015). Collection method: clinical testing. Allele origin: germline.
Comment: This sequence change replaces tyrosine, which is neutral and polar, with cysteine, which is neutral and slightly polar, at codon 1482 of the RTTN protein (p.Tyr1482Cys). The frequency data for this variant in the population databases is considered unreliable, as metrics indicate poor data quality at this position in the gnomAD database. This variant has not been reported in the literature in individuals affected with RTTN-related conditions. ClinVar contains an entry for this variant (Variation ID: 1382743). Algorithms developed to predict the effect of missense changes on protein structure and function are either unavailable or do not agree on the potential impact of this missense change (SIFT: "Deleterious"; PolyPhen-2: "Probably Damaging"; Align-GVGD: "Class C0"). In summary, the available evidence is currently insufficient to determine the role of this variant in disease. Therefore, it has been classified as a Variant of Uncertain Significance.